The following is an entry in ClinVar:

ClinVar aggregate classification (germline): Uncertain significance. Review status: criteria provided, multiple submitters, no conflicts (2 of 4 stars). 3 submissions from 3 submitters: Uncertain significance (3). Last evaluated 2025-04-10.

Conditions:
Hereditary cancer-predisposing syndrome. Also called: Neoplastic Syndromes, Hereditary; Hereditary neoplastic syndrome; Tumor predisposition; Hereditary Cancer Syndrome. Identifiers: Orphanet 140162, MedGen C0027672, MeSH D009386, MONDO:0015356.
Hyperparathyroidism 2 with jaw tumors. Also called: Hyperparathyroidism 2; HYPERPARATHYROIDISM, FAMILIAL PRIMARY, WITH MULTIPLE OSSIFYING JAW FIBROMAS; HYPERPARATHYROIDISM-JAW TUMOR SYNDROME, HEREDITARY; Hyperparathyroidism-Jaw Tumor Syndrome. Identifiers: Orphanet 99880, MedGen C1704981, MONDO:0007768, OMIM 145001.
Parathyroid carcinoma (PRTC). Also called: Parathyroid gland carcinoma; CDC73-Related Parathyroid Carcinoma. Identifiers: Orphanet 143, MedGen C0687150, MONDO:0012004, OMIM 608266, HP:0006780.

Submissions (3):

Molecular Pathology, Peter Maccallum Cancer Centre
Classification: Uncertain significance for Hyperparathyroidism 2 with jaw tumors. Last evaluated: 2025-04-10. Review status: criteria provided, single submitter. Criteria: ACMG Guidelines, 2015. Collection method: clinical testing. Allele origin: germline. Inheritance: Autosomal dominant inheritance.

Ambry Genetics
Classification: Uncertain significance for Hereditary cancer-predisposing syndrome. Last evaluated: 2024-10-20. Review status: criteria provided, single submitter. Criteria: Ambry Variant Classification Scheme 2023. Collection method: clinical testing. Allele origin: germline.
Comment: The p.A127T variant (also known as c.379G>A), located in coding exon 5 of the CDC73 gene, results from a G to A substitution at nucleotide position 379. The alanine at codon 127 is replaced by threonine, an amino acid with similar properties. This amino acid position is conserved. In addition, the in silico prediction for this alteration is inconclusive. Based on the available evidence, the clinical significance of this variant remains unclear.

Labcorp Genetics (formerly Invitae), Labcorp
Classification: Uncertain significance for Parathyroid carcinoma. Last evaluated: 2021-05-25. Review status: criteria provided, single submitter. Criteria: Invitae Variant Classification Sherloc (09022015). Collection method: clinical testing. Allele origin: germline.
Comment: This sequence change replaces alanine with threonine at codon 127 of the CDC73 protein (p.Ala127Thr). The alanine residue is moderately conserved and there is a small physicochemical difference between alanine and threonine. This variant is not present in population databases (ExAC no frequency). This variant has not been reported in the literature in individuals with CDC73-related conditions. In summary, the available evidence is currently insufficient to determine the role of this variant in disease. Therefore, it has been classified as a Variant of Uncertain Significance. Algorithms developed to predict the effect of missense changes on protein structure and function (SIFT, PolyPhen-2, Align-GVGD) all suggest that this variant is likely to be tolerated, but these predictions have not been confirmed by published functional studies and their clinical significance is uncertain.

NM_024529.5(CDC73):c.379G>A (p.Ala127Thr)

Gene: CDC73 (cell division cycle 73; plus strand). Cytogenetic location: 1q31.2.
Variant type: single nucleotide variant.
Coding change: c.379G>A on transcript NM_024529.5 (MANE Select); coding-DNA position 379, G replaced by A.
Protein change: p.Ala127Thr; replaces alanine 127 with threonine.
Molecular consequence: missense variant.
Genome position (GRCh38, 1-based): chr1:193,135,545, G>A. VCF-style: chr1-193135545-G-A. GRCh37 (hg19) VCF-style: chr1-193104675-G-A.
Other names: short protein forms A127T.
Identifiers: ClinVar variation 834534 (VCV000834534.12), dbSNP rs1675777420, ClinGen allele CA343960622.
Genomic context (GRCh38, chr1:193,135,545, plus strand): 5'-TCAGAAGCCCATTCCAAAACTACACATTTATTTACTTCTCTTTCTTTTATAGTCAAACGA[G>A]CTGCAGATGAAGTTTTAGCAGAAGCAAAGAAACCACGAATTGAGGTAAAGAAACTGTATT-3'
Protein context (NP_078805.3, residues 117-137): GLQRSTQVKR[Ala127Thr]ADEVLAEAKK